The following is an entry in ClinVar:

ClinVar aggregate classification (germline): Pathogenic (1 of 4 stars; one submission).

Conditions:
Succinate-semialdehyde dehydrogenase deficiency (SSADHD). Also called: Succinic Semialdehyde Dehydrogenase Deficiency; SSADH DEFICIENCY; 4-HYDROXYBUTYRIC ACIDURIA; GABA METABOLIC DEFECT. Identifiers: Orphanet 22, MedGen C0268631, MONDO:0010083, OMIM 271980.

Allele frequency attached by ClinVar (database versions not stated): gnomAD exomes below 0.00001.

Submission:

Elsea Laboratory, Baylor College of Medicine
Classification: Pathogenic for Succinate-semialdehyde dehydrogenase deficiency. Last evaluated: 2021-03-08. Review status: criteria provided, single submitter. Criteria: Martin et al. (J Child Neurol. 2021). Collection method: curation. Allele origin: germline. Affected: yes.
Comment: NAD binding domain

Literature cited by the submitters: PubMed 27056292; PubMed 33203024.

NM_001080.3(ALDH5A1):c.1547G>A (p.Gly516Glu)

Gene: ALDH5A1 (aldehyde dehydrogenase 5 family member A1; plus strand). Cytogenetic location: 6p22.3.
Variant type: single nucleotide variant.
Coding change: c.1547G>A on transcript NM_001080.3 (MANE Select); coding-DNA position 1547, G replaced by A.
Protein change: p.Gly516Glu; replaces glycine 516 with glutamic acid.
Molecular consequence: missense variant.
Genome position (GRCh38, 1-based): chr6:24,533,651, G>A. VCF-style: chr6-24533651-G-A. GRCh37 (hg19) VCF-style: chr6-24533879-G-A.
Other names: c.1403G>A, p.Gly468Glu (NM_001368954.1); c.1586G>A, p.Gly529Glu (NM_170740.1); short protein forms G516E, G468E, G529E.
Identifiers: ClinVar variation 1878493 (VCV001878493.3), dbSNP rs1561881357, ClinGen allele CA362967754.